The following is an entry in ClinVar:

ClinVar aggregate classification (germline): Pathogenic (1 of 4 stars; one submission).

Conditions:
CFTR-related disorder (CFTR-RD). Also called: CFTR-related disorders; CFTR-related condition. Identifiers: MedGen C5924204, MONDO:7770004.

Submission:

Natera, Inc.
Classification: Pathogenic for CFTR-related disorders. Last evaluated: 2025-01-24. Review status: criteria provided, single submitter. Criteria: Natera Variant Classification Schema (03/2026). Collection method: clinical testing. Allele origin: germline.
Comment: The c.263dup variant in CFTR is a frameshift variant predicted to shift the reading frame beginning at codon 88 and leads to a stop codon 23 codons downstream. This variant is expected to result in a truncated or dysfunctional protein product. This variant is rare in the general population with a frequency below the threshold expected for the associated phenotype(s). This variant has been observed in one or more individuals affected with the associated recessive disease, as either homozygous or compound heterozygous with a second variant (PMID: 31508243). This variant has been identified in one or more affected individual with a phenotype highly consistent with the associated gene (PMID:36240581). Given the available evidence, this variant is classified as Pathogenic.

Literature cited by the submitters: PubMed 31508243; PubMed 36240581.

NM_000492.4(CFTR):c.263dup (p.Leu88fs)

Gene: CFTR (CF transmembrane conductance regulator; plus strand). Cytogenetic location: 7q31.2.
Variant type: Duplication.
Coding change: c.263dup on transcript NM_000492.4 (MANE Select); coding-DNA position 263, one base duplicated (T; older notation c.263dupT).
Protein change: p.Leu88fs; shifts the reading frame from leucine 88.
Molecular consequence: frameshift variant.
Genome position (GRCh38, 1-based): chr7:117,509,132, T duplicated; the last of 5 consecutive T bases (chr7:117,509,128-117,509,132); duplicating any one gives the same sequence. VCF-style (leftmost placement, unchanged base first): chr7-117509127-C-CT. GRCh37 (hg19) VCF-style: chr7-117149181-C-CT.
Other names: short protein forms L88fs.
Identifiers: ClinVar variation 4064626 (VCV004064626.2).